The following is an entry in ClinVar:

ClinVar aggregate classification (germline): Pathogenic (1 of 4 stars; one submission).

Conditions:
Axenfeld-Rieger syndrome type 3 (RIEG3). Also called: AXENFELD-RIEGER ANOMALY WITH CARDIAC DEFECTS AND/OR SENSORINEURAL HEARING LOSS. Identifiers: Orphanet 782, MedGen C2678503, MONDO:0011233, OMIM 602482.

Submission:

Labcorp Genetics (formerly Invitae), Labcorp
Classification: Pathogenic for Axenfeld-Rieger syndrome type 3. Last evaluated: 2023-03-08. Review status: criteria provided, single submitter. Criteria: Invitae Variant Classification Sherloc (09022015). Collection method: clinical testing. Allele origin: germline.
Comment: For these reasons, this variant has been classified as Pathogenic. This variant disrupts a region of the FOXC1 protein in which other variant(s) (p.Leu240Valfs*65) have been determined to be pathogenic (PMID: 16638984). This suggests that this is a clinically significant region of the protein, and that variants that disrupt it are likely to be disease-causing. This variant has not been reported in the literature in individuals affected with FOXC1-related conditions. This variant is not present in population databases (gnomAD no frequency). This sequence change creates a premature translational stop signal (p.Phe162_Glu163insGlyMet*) in the FOXC1 gene. While this is not anticipated to result in nonsense mediated decay, it is expected to disrupt the last 392 amino acid(s) of the FOXC1 protein.

Literature cited by the submitters: PubMed 16638984.

NM_001453.3(FOXC1):c.487_488insGCATGTAGG (p.Glu163delinsGlyMetTer)

Gene: FOXC1 (forkhead box C1; plus strand). Cytogenetic location: 6p25.3.
Variant type: Insertion.
Coding change: c.487_488insGCATGTAGG on transcript NM_001453.3 (MANE Select); coding-DNA positions 487 to 488, GCATGTAGG inserted.
Protein change: p.Glu163delinsGlyMetTer.
Molecular consequence: nonsense.
Genome position: GRCh38 VCF-style: chr6-1610931-C-CGGCATGTAG. GRCh37 (hg19) VCF-style: chr6-1611166-C-CGGCATGTAG.
Identifiers: ClinVar variation 2843637 (VCV002843637.3), dbSNP rs2480502767, ClinGen allele CA2739272832.